The following is an entry in ClinVar:

NM_213602.3(SIGLEC15):c.984G>A (p.Pro328=)

Genes: EPG5 (ectopic P-granules 5 autophagy tethering factor; minus strand), SIGLEC15 (sialic acid binding Ig like lectin 15; plus strand). Cytogenetic location: 18q12.3.
Variant type: single nucleotide variant.
Coding change: c.984G>A on transcript NM_213602.3 (MANE Select); coding-DNA position 984, G replaced by A.
Protein change: p.Pro328=; no amino-acid change (proline 328 retained).
Molecular consequence: synonymous variant. On other transcripts: intron variant (1).
Genome position (GRCh38, 1-based): chr18:45,842,184, G>A. VCF-style: chr18-45842184-G-A. GRCh37 (hg19) VCF-style: chr18-43422149-G-A.
Other names: c.7557+13389C>T (NM_001410858.1).
Identifiers: ClinVar variation 3024803 (VCV003024803.20), dbSNP rs143689799, ClinGen allele CA8947914.
Genomic context (GRCh38, chr18:45,842,184, plus strand): 5'-CAATTATGAAAATTTGAGCCAGATGAACCCCCGGAGCCCACCAGCCACCATGTGCTCACC[G>A]TGAGGAGTCCCTCAGCCACCAACATCCATTTCAGCACTGTAAAGAACAAAGGCCAGTGCG-3'
Protein context (NP_998767.1, residues 318-328): PRSPPATMCS[Pro328=]

ClinVar aggregate classification (germline): Likely benign (1 of 4 stars; one submission).

Allele frequency attached by ClinVar (database versions not stated): ExAC 0.00283; gnomAD exomes 0.00351; 1000 Genomes Project 30x 0.00156; 1000 Genomes Project 0.00160; ESP Exome Variant Server 0.00223; TOPMed 0.00224; gnomAD 0.00309.
gnomAD v4.1: 5,570 of 1,614,090 alleles (0.35%); highest among the groups gnomAD compares: Non-Finnish European, 0.4%; 17 homozygotes.

Submission:

CeGaT Center for Human Genetics Tuebingen
Classification: Likely benign. Last evaluated: 2026-03-01. Review status: criteria provided, single submitter. Criteria: CeGaT Center For Human Genetics Tuebingen Variant Classification Criteria Version 2. Collection method: clinical testing. Allele origin: germline. Affected: yes. Observed: 9 variant alleles.
Comment: SIGLEC15: BP4, BP7, BS2